The following is an entry in ClinVar:

ClinVar aggregate classification (germline): Pathogenic (1 of 4 stars; one submission).

Conditions:
Joubert syndrome and related disorders. Identifiers: Orphanet 140874, MedGen C5679612, MONDO:0015369.

Submission:

Myriad Genetics, Inc.
Classification: Pathogenic for Joubert syndrome and related disorders. Last evaluated: 2026-02-21. Review status: criteria provided, single submitter. Criteria: Myriad Autosomal Dominant, Autosomal Recessive and X-Linked Classification Criteria (2023). Collection method: clinical testing. Allele origin: unknown.
Comment: NM_001080522.2(CC2D2A):c.1148dupA(A384Gfs*8) is expected to be pathogenic in the context of CC2D2A-related disorders. This variant is predicted to lead to an abnormal or absent protein product due to the creation of a premature termination codon in CC2D2A, a gene where loss-of-function variants are known to be pathogenic. Please note: this variant was assessed in the context of healthy population screening.

NM_001378615.1(CC2D2A):c.1148dup (p.Ala384fs)

Genes: CC2D2A (coiled-coil and C2 domain containing 2A; plus strand), FBXL5 (F-box and leucine rich repeat protein 5; minus strand). Cytogenetic location: 4p15.32.
Variant type: Duplication.
Coding change: c.1148dup on transcript NM_001378615.1 (MANE Select); coding-DNA position 1148, one base duplicated (A; older notation c.1148dupA).
Protein change: p.Ala384fs; shifts the reading frame from alanine 384.
Molecular consequence: frameshift variant.
Genome position (GRCh38, 1-based): chr4:15,516,755, A duplicated; the last of 5 consecutive A bases (chr4:15,516,751-15,516,755); duplicating any one gives the same sequence. VCF-style (leftmost placement, unchanged base first): chr4-15516750-T-TA. GRCh37 (hg19) VCF-style: chr4-15518373-T-TA.
Other names: c.1148dup, p.Ala384fs (NM_001080522.2); c.1001dup, p.Ala335fs (NM_001378617.1); short protein forms A335fs, A384fs.
Identifiers: ClinVar variation 5015591 (VCV005015591.1).